The following is an entry in ClinVar:

NM_182760.4(SUMF1):c.170G>A (p.Arg57Gln)

Genes: SUMF1 (sulfatase modifying factor 1; minus strand), LOC129936056 (ATAC-STARR-seq lymphoblastoid silent region 14016; plus strand). Cytogenetic location: 3p26.1.
Variant type: single nucleotide variant.
Coding change: c.170G>A on transcript NM_182760.4 (MANE Select); coding-DNA position 170, G replaced by A.
Protein change: p.Arg57Gln; replaces arginine 57 with glutamine.
Molecular consequence: missense variant.
Genome position (GRCh38, 1-based): chr3:4,467,076, C>T on the plus strand (G>A on the coding strand, the complement: SUMF1 is on the minus strand). VCF-style: chr3-4467076-C-T. GRCh37 (hg19) VCF-style: chr3-4508760-C-T.
Other names: c.170G>A, p.Arg57Gln (NM_001164674.2, NM_001164675.2); short protein forms R57Q.
Identifiers: ClinVar variation 1448417 (VCV001448417.7), dbSNP rs569124341, ClinGen allele CA2230703.

ClinVar aggregate classification (germline): Uncertain significance (1 of 4 stars; one submission).

Conditions:
Multiple sulfatase deficiency (MSD). Also called: Mucosulfatidosis; Multiple Sulfatase Deficiency Disease; Sulfatidosis, Juvenile, Austin Type. Identifiers: Orphanet 585, MedGen C0268263, MONDO:0010088, OMIM 272200.

Allele frequency attached by ClinVar (database versions not stated): gnomAD 0.00001; TOPMed 0.00003; 1000 Genomes Project 0.00020; 1000 Genomes Project 30x 0.00031.

Submission:

Labcorp Genetics (formerly Invitae), Labcorp
Classification: Uncertain significance for Multiple sulfatase deficiency. Last evaluated: 2025-01-06. Review status: criteria provided, single submitter. Criteria: Invitae Variant Classification Sherloc (09022015). Collection method: clinical testing. Allele origin: germline.
Comment: This sequence change replaces arginine, which is basic and polar, with glutamine, which is neutral and polar, at codon 57 of the SUMF1 protein (p.Arg57Gln). This variant is not present in population databases (gnomAD no frequency). This variant has not been reported in the literature in individuals affected with SUMF1-related conditions. ClinVar contains an entry for this variant (Variation ID: 1448417). Invitae Evidence Modeling of protein sequence and biophysical properties (such as structural, functional, and spatial information, amino acid conservation, physicochemical variation, residue mobility, and thermodynamic stability) has been performed for this missense variant. However, the output from this modeling did not meet the statistical confidence thresholds required to predict the impact of this variant on SUMF1 protein function. In summary, the available evidence is currently insufficient to determine the role of this variant in disease. Therefore, it has been classified as a Variant of Uncertain Significance.